The following is an entry in ClinVar:

ClinVar aggregate classification (germline): Uncertain significance (1 of 4 stars; one submission).

Conditions:
Neuropathy, hereditary sensory, type 2C. Also called: KIF1A-Related HSAN2 (HSAN2C); Hereditary sensory and autonomic neuropathy type IIC. Identifiers: Orphanet 970, MedGen C3280168, MONDO:0013634, OMIM 614213.
Hereditary spastic paraplegia 30. Identifiers: Orphanet 101010, MedGen C5235139, MONDO:0012476.
Intellectual disability, autosomal dominant 9 (NESCAVS). Also called: KIF1A-Related Neurodevelopmental Disorder; NESCAV SYNDROME. Identifiers: Orphanet 662367, MedGen C5393830, MONDO:0013656, OMIM 614255.

Submission:

Labcorp Genetics (formerly Invitae), Labcorp
Classification: Uncertain significance for Hereditary spastic paraplegia 30; Neuropathy, hereditary sensory, type 2C; Intellectual disability, autosomal dominant 9. Last evaluated: 2024-03-16. Review status: criteria provided, single submitter. Criteria: Invitae Variant Classification Sherloc (09022015). Collection method: clinical testing. Allele origin: germline.
Comment: This sequence change replaces aspartic acid, which is acidic and polar, with asparagine, which is neutral and polar, at codon 1660 of the KIF1A protein (p.Asp1660Asn). This variant is not present in population databases (gnomAD no frequency). This variant has not been reported in the literature in individuals affected with KIF1A-related conditions. Advanced modeling of protein sequence and biophysical properties (such as structural, functional, and spatial information, amino acid conservation, physicochemical variation, residue mobility, and thermodynamic stability) performed at Invitae indicates that this missense variant is not expected to disrupt KIF1A protein function with a negative predictive value of 95%. In summary, the available evidence is currently insufficient to determine the role of this variant in disease. Therefore, it has been classified as a Variant of Uncertain Significance.

NM_001244008.2(KIF1A):c.5281G>A (p.Asp1761Asn)

Gene: KIF1A (kinesin family member 1A; minus strand). Cytogenetic location: 2q37.3.
Variant type: single nucleotide variant.
Coding change: c.5281G>A on transcript NM_001244008.2 (MANE Select); coding-DNA position 5281, G replaced by A.
Protein change: p.Asp1761Asn; replaces aspartic acid 1761 with asparagine.
Molecular consequence: missense variant.
Genome position (GRCh38, 1-based): chr2:240,718,102, C>T on the plus strand (G>A on the coding strand, the complement: KIF1A is on the minus strand). VCF-style: chr2-240718102-C-T. GRCh37 (hg19) VCF-style: chr2-241657519-C-T.
Other names: c.5005G>A, p.Asp1669Asn (NM_001320705.2, NM_001379649.1); c.5032G>A, p.Asp1678Asn (NM_001330289.2); c.5080G>A, p.Asp1694Asn (NM_001330290.2, NM_001379648.1); c.5356G>A, p.Asp1786Asn (NM_001379631.1); c.5257G>A, p.Asp1753Asn (NM_001379632.1); c.5254G>A, p.Asp1752Asn (NM_001379633.1, NM_001379645.1); c.5107G>A, p.Asp1703Asn (NM_001379634.1); c.5104G>A, p.Asp1702Asn (NM_001379635.1, NM_001379646.1); and 8 more; short protein forms D1648N, D1659N, D1660N, D1668N, D1669N, D1677N, D1678N, D1685N.
Identifiers: ClinVar variation 3761619 (VCV003761619.2).